The following is an entry in ClinVar:

NM_005502.4(ABCA1):c.-217A>G

Genes: ABCA1 (ATP binding cassette subfamily A member 1; minus strand), LOC105376196 (uncharacterized LOC105376196; plus strand). Cytogenetic location: 9q31.1.
Variant type: single nucleotide variant.
Coding change: c.-217A>G on transcript NM_005502.4 (MANE Select); 217 bases upstream of the start codon, A replaced by G.
Molecular consequence: 5 prime UTR variant.
Genome position (GRCh38, 1-based): chr9:104,928,059, T>C on the plus strand (A>G on the coding strand, the complement: ABCA1 is on the minus strand). VCF-style: chr9-104928059-T-C. GRCh37 (hg19) VCF-style: chr9-107690340-T-C.
Identifiers: ClinVar variation 912411 (VCV000912411.4), dbSNP rs567793069, ClinGen allele CA197410716.

ClinVar aggregate classification (germline): Benign. Review status: criteria provided, single submitter (1 of 4 stars). 2 submissions from 1 submitter: Benign (2). Last evaluated 2018-01-12.

Conditions:
Tangier disease (TGD). Also called: HIGH DENSITY LIPOPROTEIN DEFICIENCY, TANGIER TYPE; HIGH DENSITY LIPOPROTEIN DEFICIENCY, TYPE 1; Cholesterol thesaurismosis. Identifiers: Orphanet 31150, MedGen C0039292, MONDO:0008783, OMIM 205400.
Hypoalphalipoproteinemia, primary, 1. Identifiers: Orphanet 425, MedGen C5231558, MONDO:0011393, OMIM 604091.

Allele frequency attached by ClinVar (database versions not stated): gnomAD 0.00336 and 0.00316; TOPMed 0.00344; 1000 Genomes Project 30x 0.00422; 1000 Genomes Project 0.00459.

Submissions (2):

Illumina Laboratory Services, Illumina
Classification: Benign for Tangier disease. Last evaluated: 2018-01-12. Review status: criteria provided, single submitter. Criteria: ICSL Variant Classification Criteria 13 December 2019. Collection method: clinical testing. Allele origin: germline.
Comment: This variant was observed in the ICSL laboratory as part of a predisposition screen in an ostensibly healthy population. It had not been previously curated by ICSL or reported in the Human Gene Mutation Database (HGMD: prior to June 1st, 2018), and was therefore a candidate for classification through an automated scoring system. Utilizing variant allele frequency, disease prevalence and penetrance estimates, and inheritance mode, an automated score was calculated to assess if this variant is too frequent to cause the disease. Based on the score and internal cut-off values, a variant classified as benign is not then subjected to further curation. The score for this variant resulted in a classification of benign for this disease.

Illumina Laboratory Services, Illumina
Classification: Benign for Hypoalphalipoproteinemia, primary, 1. Last evaluated: 2018-01-12. Review status: criteria provided, single submitter. Criteria: ICSL Variant Classification Criteria 13 December 2019. Collection method: clinical testing. Allele origin: germline.
Comment: the same text as in the submission from Illumina Laboratory Services, Illumina above.